The following is an entry in ClinVar:

NM_001378454.1(ALMS1):c.9170_9190dup (p.Ser3057_Thr3063dup)

Gene: ALMS1 (ALMS1 centrosome and basal body associated protein; plus strand). Cytogenetic location: 2p13.1.
Variant type: Duplication.
Coding change: c.9170_9190dup on transcript NM_001378454.1 (MANE Select); coding-DNA positions 9170 to 9190, 21 bases duplicated (CCAAGTTGGATAGTGGAACTT).
Protein change: p.Ser3057_Thr3063dup.
Molecular consequence: inframe insertion.
Genome position (GRCh38, 1-based): chr2:73,491,129-73,491,149, CCAAGTTGGATAGTGGAACTT duplicated; duplicating any 21 consecutive bases within chr2:73,491,126-73,491,149 gives the same sequence; the c. name uses the placement nearest the transcript's 3' end. VCF-style (leftmost placement, unchanged base first): chr2-73491125-T-TCTTCCAAGTTGGATAGTGGAA. GRCh37 (hg19) VCF-style: chr2-73718252-T-TCTTCCAAGTTGGATAGTGGAA.
Other names: c.9173_9193dup, p.Ser3058_Thr3064dup (NM_015120.4).
Identifiers: ClinVar variation 555250 (VCV000555250.3), dbSNP rs1455775922, ClinGen allele CA534125538.

ClinVar aggregate classification (germline): Uncertain significance. Review status: criteria provided, single submitter (1 of 4 stars). 2 submissions from 2 submitters: Uncertain significance (1). 1 of the submissions does not count toward it. Last evaluated 2023-02-18.

Conditions:
Alstrom syndrome (ALMS). Identifiers: Orphanet 64, MedGen C0268425, MONDO:0008763, OMIM 203800.

Submissions (2):

GeneDx
Classification: Uncertain significance. Last evaluated: 2023-02-18. Review status: criteria provided, single submitter. Criteria: GeneDx Variant Classification Process June 2021. Collection method: clinical testing. Allele origin: germline. Affected: yes.
Comment: Not observed at significant frequency in large population cohorts (gnomAD); In-frame duplication of 7 amino acids in a non-repeat region; Has not been previously published as pathogenic or benign to our knowledge; No nearby in-frame duplications or missense variants have been reported as pathogenic in HGMD or at GeneDx

Counsyl
Classification: Uncertain significance for Alstrom syndrome. Last evaluated: 2017-11-26. Review status: no assertion criteria provided. Collection method: clinical testing. Allele origin: unknown. Not counted in ClinVar's aggregate classification.